The following is an entry in ClinVar:

NM_000419.5(ITGA2B):c.799+2T>C

Gene: ITGA2B (integrin subunit alpha 2b; minus strand). Cytogenetic location: 17q21.31.
Variant type: single nucleotide variant.
Coding change: c.799+2T>C on transcript NM_000419.5 (MANE Select); the canonical splice donor site of the intron after coding-DNA position 799, T replaced by C.
Molecular consequence: splice donor variant.
Genome position (GRCh38, 1-based): chr17:44,384,946, A>G on the plus strand (T>C on the coding strand, the complement: ITGA2B is on the minus strand). VCF-style: chr17-44384946-A-G. GRCh37 (hg19) VCF-style: chr17-42462314-A-G.
Identifiers: ClinVar variation 996191 (VCV000996191.2), dbSNP rs1194700242, ClinGen allele CA399805155.

ClinVar aggregate classification (germline): Pathogenic (3 of 4 stars; one submission).

Conditions:
Glanzmann thrombasthenia. Also called: Glanzmann's thrombasthenia; PLATELET GLYCOPROTEIN IIb-IIIa DEFICIENCY; BLEEDING DISORDER, PLATELET-TYPE, 2; THROMBASTHENIA OF GLANZMANN AND NAEGELI; Thrombasthenia. Identifiers: Orphanet 849, MedGen C0040015, MONDO:0100326.

Submission:

ClinGen Platelet Disorders Variant Curation Expert Panel, ClinGen
Classification: Pathogenic for Glanzmann thrombasthenia. Last evaluated: 2020-11-10. Review status: reviewed by expert panel. Criteria: ClinGen Platelet ACMG Specifications v2. Collection method: curation. Allele origin: germline. Inheritance: Autosomal recessive inheritance.
Comment: The c.799+2T>C splice variant has been reported in at least one compound heterozygous proband (PMID: 29675921) with a phenotype highly specific to GT. It is predicted to cause the in-frame skipping of exon 7 which is part of the critical ligand binding domain. This variant is absent from controls in gnomAD, ExAC, and 1000 genomes. In summary, this variant meets criteria to be classified as Pathogenic for GT. GT-specific criteria applied: PVS1_Strong, PM2_Supporting, PM3_Supporting, and PP4_Strong.

Literature cited by the submitters: PubMed 29675921.